The following is an entry in ClinVar:

ClinVar aggregate classification (germline): Uncertain significance (1 of 4 stars; one submission).

Conditions:
Saldino-Mainzer syndrome (SRTD9). Also called: SHORT-RIB THORACIC DYSPLASIA 9 WITHOUT POLYDACTYLY; Renal dysplasia, retinal pigmentary dystrophy, cerebellar ataxia and skeletal dysplasia; short-rib thoracic dysplasia 9 with or without polydactyly; CONORENAL SYNDROME. Identifiers: Orphanet 140969, MedGen C1849437, MONDO:0009964, OMIM 266920.

Allele frequency attached by ClinVar (database versions not stated): ExAC 0.00001; gnomAD 0.00001; gnomAD exomes 0.00001; TOPMed 0.00001.
gnomAD v4.1: 7 of 1,614,010 alleles (0.00043%); highest among the groups gnomAD compares: Non-Finnish European, 0.00051%; no homozygotes.

Submission:

Labcorp Genetics (formerly Invitae), Labcorp
Classification: Uncertain significance for Saldino-Mainzer syndrome. Last evaluated: 2022-10-17. Review status: criteria provided, single submitter. Criteria: Invitae Variant Classification Sherloc (09022015). Collection method: clinical testing. Allele origin: germline.
Comment: This sequence change replaces aspartic acid, which is acidic and polar, with glutamic acid, which is acidic and polar, at codon 1368 of the IFT140 protein (p.Asp1368Glu). This variant is present in population databases (rs746684542, gnomAD 0.003%). This variant has not been reported in the literature in individuals affected with IFT140-related conditions. ClinVar contains an entry for this variant (Variation ID: 858275). Advanced modeling of protein sequence and biophysical properties (such as structural, functional, and spatial information, amino acid conservation, physicochemical variation, residue mobility, and thermodynamic stability) performed at Invitae indicates that this missense variant is not expected to disrupt IFT140 protein function. In summary, the available evidence is currently insufficient to determine the role of this variant in disease. Therefore, it has been classified as a Variant of Uncertain Significance.

NM_014714.4(IFT140):c.4104C>A (p.Asp1368Glu)

Gene: IFT140 (intraflagellar transport 140; minus strand). Cytogenetic location: 16p13.3.
Variant type: single nucleotide variant.
Coding change: c.4104C>A on transcript NM_014714.4 (MANE Select); coding-DNA position 4104, C replaced by A.
Protein change: p.Asp1368Glu; replaces aspartic acid 1368 with glutamic acid.
Molecular consequence: missense variant.
Genome position (GRCh38, 1-based): chr16:1,518,294, G>T on the plus strand (C>A on the coding strand, the complement: IFT140 is on the minus strand). VCF-style: chr16-1518294-G-T. GRCh37 (hg19) VCF-style: chr16-1568295-G-T.
Other names: short protein forms D1368E.
Identifiers: ClinVar variation 858275 (VCV000858275.5), dbSNP rs746684542, ClinGen allele CA7812904.